The following is an entry in ClinVar:

NM_024589.3(ROGDI):c.769G>A (p.Ala257Thr)

Gene: ROGDI (rogdi atypical leucine zipper; minus strand). Cytogenetic location: 16p13.3.
Variant type: single nucleotide variant.
Coding change: c.769G>A on transcript NM_024589.3 (MANE Select); coding-DNA position 769, G replaced by A.
Protein change: p.Ala257Thr; replaces alanine 257 with threonine.
Molecular consequence: missense variant. On other transcripts: non-coding transcript variant (1).
Genome position (GRCh38, 1-based): chr16:4,797,767, C>T on the plus strand (G>A on the coding strand, the complement: ROGDI is on the minus strand). VCF-style: chr16-4797767-C-T. GRCh37 (hg19) VCF-style: chr16-4847768-C-T.
Other names: c.769G>A (NM_024589.1); short protein forms A257T.
Identifiers: ClinVar variation 652910 (VCV000652910.6), dbSNP rs752895075, ClinGen allele CA7882492.

ClinVar aggregate classification (germline): Uncertain significance. Review status: criteria provided, multiple submitters, no conflicts (2 of 4 stars). 2 submissions from 2 submitters: Uncertain significance (2). Last evaluated 2022-10-03.

Conditions:
Inborn genetic diseases. Identifiers: MedGen C0950123, MeSH D030342.
Amelocerebrohypohidrotic syndrome (KTZS). Also called: EPILEPSY AND YELLOW TEETH; EPILEPSY, DEMENTIA, AND AMELOGENESIS IMPERFECTA; KOHLSCHUTTER SYNDROME; Kohlschutter's syndrome. Identifiers: Orphanet 1946, MedGen C0406740, MONDO:0009185, OMIM 226750.

Allele frequency attached by ClinVar (database versions not stated): TOPMed 0.00002.

Submissions (2):

Ambry Genetics
Classification: Uncertain significance for Inborn genetic diseases. Last evaluated: 2022-10-03. Review status: criteria provided, single submitter. Criteria: Ambry Variant Classification Scheme 2023. Collection method: clinical testing. Allele origin: germline.

Labcorp Genetics (formerly Invitae), Labcorp
Classification: Uncertain significance for Amelocerebrohypohidrotic syndrome. Last evaluated: 2022-07-30. Review status: criteria provided, single submitter. Criteria: Invitae Variant Classification Sherloc (09022015). Collection method: clinical testing. Allele origin: germline.
Comment: This sequence change replaces alanine, which is neutral and non-polar, with threonine, which is neutral and polar, at codon 257 of the ROGDI protein (p.Ala257Thr). This variant is present in population databases (rs752895075, gnomAD 0.01%). This variant has not been reported in the literature in individuals affected with ROGDI-related conditions. ClinVar contains an entry for this variant (Variation ID: 652910). Algorithms developed to predict the effect of missense changes on protein structure and function (SIFT, PolyPhen-2, Align-GVGD) all suggest that this variant is likely to be tolerated. In summary, the available evidence is currently insufficient to determine the role of this variant in disease. Therefore, it has been classified as a Variant of Uncertain Significance.